The following is an entry in ClinVar:

ClinVar aggregate classification (germline): Uncertain significance (1 of 4 stars; one submission).

Conditions:
Inborn genetic diseases. Identifiers: MedGen C0950123, MeSH D030342.

Submission:

Ambry Genetics
Classification: Uncertain significance for Inborn genetic diseases. Last evaluated: 2024-12-03. Review status: criteria provided, single submitter. Criteria: Ambry Variant Classification Scheme 2023. Collection method: clinical testing. Allele origin: germline.
Comment: The p.L1449M variant (also known as c.4345C>A), located in coding exon 13 of the ASXL1 gene, results from a C to A substitution at nucleotide position 4345. The leucine at codon 1449 is replaced by methionine, an amino acid with highly similar properties. This amino acid position is conserved. In addition, this alteration is predicted to be tolerated by in silico analysis. Based on the available evidence, the clinical significance of this variant remains unclear.

NM_015338.6(ASXL1):c.4345C>A (p.Leu1449Met)

Gene: ASXL1 (ASXL transcriptional regulator 1; plus strand). Cytogenetic location: 20q11.21.
Variant type: single nucleotide variant.
Coding change: c.4345C>A on transcript NM_015338.6 (MANE Select); coding-DNA position 4345, C replaced by A.
Protein change: p.Leu1449Met; replaces leucine 1449 with methionine.
Molecular consequence: missense variant.
Genome position (GRCh38, 1-based): chr20:32,437,057, C>A. VCF-style: chr20-32437057-C-A. GRCh37 (hg19) VCF-style: chr20-31024860-C-A.
Other names: c.4162C>A, p.Leu1388Met (NM_001363734.1); short protein forms L1388M, L1449M.
Identifiers: ClinVar variation 3439383 (VCV003439383.1).
Genomic context (GRCh38, chr20:32,437,057, plus strand): 5'-TCTCTCCCCTCCCAACTCAGCATCAAGCAGGCATTTTATGGGAAGCTTTCTAAACTCCAA[C>A]TGAGTTCCACCAGCTTTAATTATTCCTCTAGCTCTCCCACCTTTCCCAAAGGCCTTGCTG-3'
Protein context (NP_056153.2, residues 1439-1459): AFYGKLSKLQ[Leu1449Met]SSTSFNYSSS